The following is an entry in ClinVar:

NM_000124.4(ERCC6):c.439dup (p.Leu147fs)

Gene: ERCC6 (ERCC excision repair 6, chromatin remodeling factor; minus strand). Cytogenetic location: 10q11.23.
Variant type: Duplication.
Coding change: c.439dup on transcript NM_000124.4 (MANE Select); coding-DNA position 439, one base duplicated (C; older notation c.439dupC).
Protein change: p.Leu147fs; shifts the reading frame from leucine 147.
Molecular consequence: frameshift variant.
Genome position (GRCh38, 1-based): chr10:49,530,824, G duplicated on the plus strand (C on the coding strand, the reverse complement: ERCC6 is on the minus strand); the first of 3 consecutive G bases (chr10:49,530,824-49,530,826); duplicating any one gives the same sequence. VCF-style (leftmost placement, unchanged base first): chr10-49530823-A-AG. GRCh37 (hg19) VCF-style: chr10-50738869-A-AG.
Other names: p.Leu147ProfsTer6; p.Leu147Profs*6; c.439dup, p.Leu147fs (NM_001277058.2, NM_001277059.2, NM_001346440.2); short protein forms L147fs.
Identifiers: ClinVar variation 2008277 (VCV002008277.8), dbSNP rs1554794360, ClinGen allele CA2580081550.
Genomic context (GRCh38, chr10:49,530,823, plus strand): 5'-ATGTCTCTGCTGGTGGCAGCTTGAGGGCTAAGCTGTTCAATAATTTTATTGATTTGCCTT[A>AG]GGGATGTCGTACATGACCTGAAAAATAAGATAAATTGTCTATTTTGCACTCTGATAACAT-3'

ClinVar aggregate classification (germline): Pathogenic. Review status: criteria provided, multiple submitters, no conflicts (2 of 4 stars). 4 submissions from 4 submitters: Pathogenic (4). Last evaluated 2026-02-22.

Conditions:
ERCC6-related disorder. Also called: ERCC6-related disorders; ERCC6-related condition. Identifiers: MedGen CN239385.
Cockayne syndrome type 2 (CSB). Also called: COCKAYNE SYNDROME B; Cockayne Syndrome, Type II. Identifiers: Orphanet 191, Orphanet 90322, MedGen C0751038, MONDO:0019570, OMIM 133540.

Submissions (4):

Department of Molecular Genetics, Istishari Arab Hospital
Classification: Pathogenic for Cockayne syndrome type 2. Last evaluated: 2026-02-22. Review status: criteria provided, single submitter. Criteria: ACMG Guidelines, 2015. Collection method: clinical testing. Allele origin: germline. Inheritance: Autosomal recessive inheritance. Affected: yes.
Comment: The ERCC6 variant c.439dup p.Leu147Profs*6 creates a shift in the reading frame at position 147, introducing a premature stop codon 6 amino acids downstream. This is predicted to result in a loss or disruption of normal protein function through nonsense-mediated decay (NMD) or protein truncation. This variant is not observed in the gnomAD v4.1.0 dataset. In-house, this variant was previously reported as disease-causing in the homozygous state in two patients with Cockayne syndrome. It is classified as pathogenic according to the recommendations of ACMG/AMP/ClinGen SVI guidelines.

3billion
Classification: Pathogenic for ERCC6-related disorder. Last evaluated: 2024-12-20. Review status: criteria provided, single submitter. Criteria: ACMG Guidelines, 2015. Collection method: clinical testing. Allele origin: germline. Affected: yes.
Comment: The variant is not observed in the gnomAD v4.1.0 dataset. Predicted Consequence/Location: Frameshift: predicted to result in a loss or disruption of normal protein function through nonsense-mediated decay (NMD) or protein truncation. Multiple pathogenic variants are reported downstream of the variant. The variant has been reported at least twice as pathogenic without evidence for the classification (ClinVar ID: VCV002008277). Therefore, this variant is classified as Pathogenic according to the recommendation of ACMG/AMP guideline.

Labcorp Genetics (formerly Invitae), Labcorp
Classification: Pathogenic. Last evaluated: 2022-08-31. Review status: criteria provided, single submitter. Criteria: Invitae Variant Classification Sherloc (09022015). Collection method: clinical testing. Allele origin: germline.
Comment: For these reasons, this variant has been classified as Pathogenic. This variant has not been reported in the literature in individuals affected with ERCC6-related conditions. This variant is not present in population databases (gnomAD no frequency). This sequence change creates a premature translational stop signal (p.Leu147Profs*6) in the ERCC6 gene. It is expected to result in an absent or disrupted protein product. Loss-of-function variants in ERCC6 are known to be pathogenic (PMID: 18628313, 29572252).

Breakthrough Genomics
Classification: Pathogenic for Cockayne syndrome type 2. Last evaluated: 2021-06-23. Review status: criteria provided, single submitter. Criteria: ACMG Guidelines, 2015. Collection method: clinical testing. Allele origin: germline. Affected: yes.
Comment: This variant seems to be a novel variant, as it has not been previously reported in population or public databases or in the literature. However, several other truncating variants lying downstream of the variant, have been previously reported as ‘pathogenic’ in the ClinVar database context of Cockayne syndrome B. Loss-of-function variants in the ERCC6 gene are known to be pathogenic [PMID: 18628313, 29572252].

Literature cited by the submitters: PubMed 18628313 (cited by Labcorp Genetics (formerly Invitae), Labcorp); PubMed 29572252 (cited by Labcorp Genetics (formerly Invitae), Labcorp).